The following is an entry in ClinVar:

NM_000939.4(POMC):c.143G>A (p.Arg48Gln)

Genes: POMC (proopiomelanocortin; minus strand), LOC129933280 (ATAC-STARR-seq lymphoblastoid silent region 11244; plus strand). Cytogenetic location: 2p23.3.
Variant type: single nucleotide variant.
Coding change: c.143G>A on transcript NM_000939.4 (MANE Select); coding-DNA position 143, G replaced by A.
Protein change: p.Arg48Gln; replaces arginine 48 with glutamine.
Molecular consequence: missense variant.
Genome position (GRCh38, 1-based): chr2:25,161,742, C>T on the plus strand (G>A on the coding strand, the complement: POMC is on the minus strand). VCF-style: chr2-25161742-C-T. GRCh37 (hg19) VCF-style: chr2-25384611-C-T.
Other names: c.143G>A, p.Arg48Gln (NM_001035256.3, NM_001319204.2, NM_001319205.2); c.143G>A (NM_000939.3); short protein forms R48Q.
Identifiers: ClinVar variation 2719882 (VCV002719882.5), dbSNP rs763349234, ClinGen allele CA1555377.

ClinVar aggregate classification (germline): Uncertain significance. Review status: criteria provided, single submitter (1 of 4 stars). 2 submissions from 2 submitters: Uncertain significance (1). 1 of the submissions does not count toward it. Last evaluated 2025-06-14.

Conditions:
POMC-related disorder. Also called: POMC-related disorders; POMC-related condition.

Allele frequency attached by ClinVar (database versions not stated): ExAC 0.00005.
gnomAD v4.1: 18 of 1,593,760 alleles (0.0011%); highest among the groups gnomAD compares: Non-Finnish European, 0.0015%; no homozygotes.

Submissions (2):

Labcorp Genetics (formerly Invitae), Labcorp
Classification: Uncertain significance. Last evaluated: 2025-06-14. Review status: criteria provided, single submitter. Criteria: Invitae Variant Classification Sherloc (09022015). Collection method: clinical testing. Allele origin: germline.
Comment: This sequence change replaces arginine, which is basic and polar, with glutamine, which is neutral and polar, at codon 48 of the POMC protein (p.Arg48Gln). The frequency data for this variant in the population databases is considered unreliable, as metrics indicate poor data quality at this position in the gnomAD database. This variant has not been reported in the literature in individuals affected with POMC-related conditions. ClinVar contains an entry for this variant (Variation ID: 2719882). An algorithm developed to predict the effect of missense changes on protein structure and function outputs the following: PolyPhen-2: "Benign". The glutamine amino acid residue is found in multiple mammalian species, which suggests that this missense change does not adversely affect protein function. In summary, the available evidence is currently insufficient to determine the role of this variant in disease. Therefore, it has been classified as a Variant of Uncertain Significance.

PreventionGenetics, part of Exact Sciences
Classification: Uncertain significance for POMC-related condition. Last evaluated: 2024-03-01. Review status: no assertion criteria provided. Collection method: clinical testing. Allele origin: germline. Not counted in ClinVar's aggregate classification.
Comment: The POMC c.143G>A variant is predicted to result in the amino acid substitution p.Arg48Gln. To our knowledge, this variant has not been reported in the literature. This variant is reported in 0.0038% of alleles in individuals of South Asian descent in gnomAD. At this time, the clinical significance of this variant is uncertain due to the absence of conclusive functional and genetic evidence.